The following is an entry in ClinVar:

ClinVar aggregate classification (germline): Uncertain significance (1 of 4 stars; one submission).

Conditions:
Hereditary cancer-predisposing syndrome. Also called: Hereditary Cancer Syndrome; Hereditary neoplastic syndrome; Neoplastic Syndromes, Hereditary; Tumor predisposition. Identifiers: Orphanet 140162, MedGen C0027672, MeSH D009386, MONDO:0015356.

Submission:

Ambry Genetics
Classification: Uncertain significance for Hereditary cancer-predisposing syndrome. Last evaluated: 2025-06-03. Review status: criteria provided, single submitter. Criteria: Ambry Variant Classification Scheme 2023. Collection method: clinical testing. Allele origin: germline.
Comment: The p.P429A variant (also known as c.1285C>G), located in coding exon 9 of the APC gene, results from a C to G substitution at nucleotide position 1285. The proline at codon 429 is replaced by alanine, an amino acid with highly similar properties. This amino acid position is well conserved in available vertebrate species. In addition, in silico predictors for this gene do not accurately predict pathogenicity. Missense alterations in APC are not a common cause of disease (Spier I et al. Genet Med. 2024 Feb;26(2):100992). Based on the available evidence, the clinical significance of this variant remains unclear.

NM_000038.6(APC):c.1285C>G (p.Pro429Ala)

Gene: APC (APC regulator of Wnt signaling pathway; plus strand). Cytogenetic location: 5q22.2.
Variant type: single nucleotide variant.
Coding change: c.1285C>G on transcript NM_000038.6 (MANE Select); coding-DNA position 1285, C replaced by G.
Protein change: p.Pro429Ala; replaces proline 429 with alanine.
Molecular consequence: missense variant.
Genome position (GRCh38, 1-based): chr5:112,819,317, C>G. VCF-style: chr5-112819317-C-G. GRCh37 (hg19) VCF-style: chr5-112155014-C-G.
Other names: c.1285C>G, p.Pro429Ala (NM_001127510.3, NM_001354895.2, NM_001354896.2 and 4 more transcripts); c.1231C>G, p.Pro411Ala (NM_001127511.3); c.1315C>G, p.Pro439Ala (NM_001354897.2, NM_001407446.1); c.1210C>G, p.Pro404Ala (NM_001354898.2, NM_001407451.1); c.1201C>G, p.Pro401Ala (NM_001354899.2, NM_001407452.1); c.1108C>G, p.Pro370Ala (NM_001354900.2, NM_001354901.2, NM_001407453.1); c.1012C>G, p.Pro338Ala (NM_001354902.2); c.982C>G, p.Pro328Ala (NM_001354903.2, NM_001407454.1, NM_001407455.1 and 5 more transcripts); and 5 more; short protein forms P303A, P338A, P370A, P411A, P429A, P269A, P328A, P146A.
Identifiers: ClinVar variation 1768876 (VCV001768876.3), dbSNP rs1580531566, ClinGen allele CA16024120.
Genomic context (GRCh38, chr5:112,819,317, plus strand): 5'-CTTTTGGAACAGATACGCGCTTACTGTGAAACCTGTTGGGAGTGGCAGGAAGCTCATGAA[C>G]CAGGCATGGACCAGGACAAAAATCCAAGTATGTTCTCTATAGTGTACATCGTAGTGCATG-3'
Protein context (NP_000029.2, residues 419-439): TCWEWQEAHE[Pro429Ala]GMDQDKNPMP